The following is an entry in ClinVar:

NM_031407.7(HUWE1):c.2195_2203del (p.Glu732_Glu734del)

Gene: HUWE1 (HECT, UBA and WWE domain containing E3 ubiquitin protein ligase 1; minus strand). Cytogenetic location: Xp11.22.
Variant type: Deletion.
Coding change: c.2195_2203del on transcript NM_031407.7 (MANE Select); coding-DNA positions 2195 to 2203, 9 bases deleted (AAGAGGAAG; older notation c.2195_2203delAAGAGGAAG).
Protein change: p.Glu732_Glu734del.
Molecular consequence: inframe deletion.
Genome position (GRCh38, 1-based): chrX:53,614,592-53,614,600, CTTCCTCTT deleted on the plus strand (AAGAGGAAG on the coding strand, the reverse complement: HUWE1 is on the minus strand); deleting any 9 consecutive bases within chrX:53,614,592-53,614,601 gives the same sequence; the c. name uses the placement nearest the transcript's 3' end. VCF-style (leftmost placement, unchanged base first): chrX-53614591-ACTTCCTCTT-A. GRCh37 (hg19) VCF-style: chrX-53641552-ACTTCCTCTT-A.
Identifiers: ClinVar variation 3062116 (VCV003062116.1), dbSNP rs2527363085, ClinGen allele CA2740092159.

ClinVar aggregate classification (germline): Uncertain significance (1 of 4 stars; one submission).

Conditions:
Intellectual developmental disorder, X-linked, syndromic, Turner type. Also called: Intellectual disability, X-linked syndromic, Turner type; X-linked intellectual disability, Turner type. Identifiers: Orphanet 3056, Orphanet 85328, MedGen C2678046, MONDO:0010407, OMIM 309590.

Submission:

Illumina Laboratory Services, Illumina
Classification: Uncertain significance for Intellectual developmental disorder, X-linked, syndromic, Turner type. Last evaluated: 2021-08-09. Review status: criteria provided, single submitter. Criteria: ICSLVariantClassificationCriteria RUGD 01 April 2020. Collection method: clinical testing. Allele origin: unknown.
Comment: The HUWE1 c.2195_2203delAAGAGGAAG p.(Glu732_Glu734del) variant is an inframe deletion. To our knowledge, this variant has not been reported in the peer-reviewed literature. This variant is not observed in version 2.1.1 or version 3.1.1 of the Genome Aggregation Database. Based on the limited evidence, the c.2195_2203delAAGAGGAAG p.(Glu732_Glu734del) variant is classified as a variant of uncertain significance for intellectual developmental disorder, X-linked syndromic, Turner type.